The following is an entry in ClinVar:

ClinVar aggregate classification (germline): Uncertain significance (1 of 4 stars; one submission).

Conditions:
Inborn genetic diseases. Identifiers: MedGen C0950123, MeSH D030342.

Submission:

Ambry Genetics
Classification: Uncertain significance for Inborn genetic diseases. Last evaluated: 2026-08-31. Review status: criteria provided, single submitter. Criteria: Ambry Variant Classification Scheme 2023. Collection method: clinical testing. Allele origin: germline.
Comment: The p.A134V variant (also known as c.401C>T), located in coding exon 3 of the G6PC3 gene, results from a C to T substitution at nucleotide position 401. The alanine at codon 134 is replaced by valine, an amino acid with similar properties. This amino acid position is conserved. In addition, this alteration is predicted to be tolerated by in silico analysis. Based on the available evidence, the clinical significance of this variant remains unclear.

NM_138387.4(G6PC3):c.401C>T (p.Ala134Val)

Gene: G6PC3 (glucose-6-phosphatase catalytic subunit 3; plus strand). Cytogenetic location: 17q21.31.
Variant type: single nucleotide variant.
Coding change: c.401C>T on transcript NM_138387.4 (MANE Select); coding-DNA position 401, C replaced by T.
Protein change: p.Ala134Val; replaces alanine 134 with valine.
Molecular consequence: missense variant.
Genome position (GRCh38, 1-based): chr17:44,074,755, C>T. VCF-style: chr17-44074755-C-T. GRCh37 (hg19) VCF-style: chr17-42152123-C-T.
Other names: c.401C>T, p.Ala134Val (NM_001319945.2); c.56C>T, p.Ala19Val (NM_001384165.1, NM_001384166.1, NM_001384167.1 and 1 more transcripts); short protein forms A134V, A19V.
Identifiers: ClinVar variation 5022102 (VCV005022102.1).